The following is an entry in ClinVar:

ClinVar aggregate classification (germline): Uncertain significance. Review status: criteria provided, single submitter (1 of 4 stars). 2 submissions from 2 submitters: Uncertain significance (1). 1 of the submissions does not count toward it. Last evaluated 2025-04-17.

Conditions:
Fibrochondrogenesis. Identifiers: Orphanet 2021, MedGen C0265282, MONDO:0016068.

Allele frequency attached by ClinVar (database versions not stated): gnomAD exomes below 0.00001; TOPMed below 0.00001; gnomAD 0.00001.
gnomAD v4.1: 2 of 1,613,448 alleles (0.00012%); highest among the groups gnomAD compares: Admixed American, 0.0033%; no homozygotes.

Submissions (2):

Labcorp Genetics (formerly Invitae), Labcorp
Classification: Uncertain significance. Last evaluated: 2025-04-17. Review status: criteria provided, single submitter. Criteria: Invitae Variant Classification Sherloc (09022015). Collection method: clinical testing. Allele origin: germline.
Comment: This sequence change replaces glycine, which is neutral and non-polar, with arginine, which is basic and polar, at codon 1081 of the COL11A1 protein (p.Gly1081Arg). This variant is present in population databases (rs397514455, gnomAD 0.003%). This variant has not been reported in the literature in individuals affected with COL11A1-related conditions. ClinVar contains an entry for this variant (Variation ID: 29647). Invitae Evidence Modeling of protein sequence and biophysical properties (such as structural, functional, and spatial information, amino acid conservation, physicochemical variation, residue mobility, and thermodynamic stability) indicates that this missense variant is expected to disrupt COL11A1 protein function with a positive predictive value of 80%. In summary, the available evidence is currently insufficient to determine the role of this variant in disease. Therefore, it has been classified as a Variant of Uncertain Significance.

OMIM
Classification: Pathogenic for FIBROCHONDROGENESIS. Last evaluated: 2010-11-12. Review status: no assertion criteria provided. Collection method: literature only. Allele origin: germline. Not counted in ClinVar's aggregate classification.

Literature cited by the submitters: PubMed 21035103 (cited by OMIM).

NM_001854.4(COL11A1):c.3241G>C (p.Gly1081Arg)

Gene: COL11A1 (collagen type XI alpha 1 chain; minus strand). Cytogenetic location: 1p21.1.
Variant type: single nucleotide variant.
Coding change: c.3241G>C on transcript NM_001854.4 (MANE Select); coding-DNA position 3241, G replaced by C.
Protein change: p.Gly1081Arg; replaces glycine 1081 with arginine.
Molecular consequence: missense variant. On other transcripts: non-coding transcript variant (1).
Genome position (GRCh38, 1-based): chr1:102,946,884, C>G on the plus strand (G>C on the coding strand, the complement: COL11A1 is on the minus strand). VCF-style: chr1-102946884-C-G. GRCh37 (hg19) VCF-style: chr1-103412440-C-G.
Other names: c.3124G>C, p.Gly1042Arg (NM_001190709.2); c.3277G>C, p.Gly1093Arg (NM_080629.3); c.2893G>C, p.Gly965Arg (NM_080630.4); short protein forms G1042R, G1093R, G965R, G1081R.
Identifiers: ClinVar variation 29647 (VCV000029647.9), dbSNP rs397514455, ClinGen allele CA128536.
Genomic context (GRCh38, chr1:102,946,884, plus strand): 5'-ATATTTTCTCCTAGACATTACTTACAGGAGCACCTTTCTCTCCAGCTGGACCAGGAGGAC[C>G]CTGAGGTCCCGGGCGCCCTGGTAAACCAATTGGGCCAGCTGTACCTGCTGACCCACGTTC-3'
Protein context (NP_001845.3, residues 1071-1091): IGLPGRPGPQ[Gly1081Arg]PPGPAGEKGA